The following is an entry in ClinVar:

ClinVar aggregate classification (germline): Uncertain significance. Review status: criteria provided, multiple submitters, no conflicts (2 of 4 stars). 2 submissions from 2 submitters: Uncertain significance (2). Last evaluated 2025-11-10.

Conditions:
Hereditary cancer-predisposing syndrome. Also called: Tumor predisposition; Hereditary neoplastic syndrome; Hereditary Cancer Syndrome; Neoplastic Syndromes, Hereditary. Identifiers: Orphanet 140162, MedGen C0027672, MeSH D009386, MONDO:0015356.
Familial cancer of breast. Also called: BREAST CANCER, FAMILIAL; Hereditary breast cancer; hereditary breast carcinoma. Identifiers: Orphanet 227535, MedGen C0346153, MONDO:0016419, OMIM 114480. Disease mechanism: loss of function.

Allele frequency attached by ClinVar (database versions not stated): gnomAD exomes below 0.00001; TOPMed below 0.00001.
gnomAD v4.1: 2 of 1,614,150 alleles (0.00012%); highest among the groups gnomAD compares: Non-Finnish European, 0.00017%; no homozygotes.

Submissions (2):

Labcorp Genetics (formerly Invitae), Labcorp
Classification: Uncertain significance for Familial cancer of breast. Last evaluated: 2025-11-10. Review status: criteria provided, single submitter. Criteria: Invitae Variant Classification Sherloc (09022015). Collection method: clinical testing. Allele origin: germline.
Comment: This sequence change replaces serine, which is neutral and polar, with arginine, which is basic and polar, at codon 981 of the PALB2 protein (p.Ser981Arg). This variant is present in population databases (no rsID available, gnomAD 0.0009%). This variant has not been reported in the literature in individuals affected with PALB2-related conditions. ClinVar contains an entry for this variant (Variation ID: 935594). An algorithm developed to predict the effect of missense changes on protein structure and function outputs the following: PolyPhen-2: "Benign". The arginine amino acid residue is found in multiple mammalian species, which suggests that this missense change does not adversely affect protein function. In summary, the available evidence is currently insufficient to determine the role of this variant in disease. Therefore, it has been classified as a Variant of Uncertain Significance.

Ambry Genetics
Classification: Uncertain significance for Hereditary cancer-predisposing syndrome. Last evaluated: 2022-04-23. Review status: criteria provided, single submitter. Criteria: Ambry Variant Classification Scheme 2023. Collection method: clinical testing. Allele origin: germline.
Comment: The p.S981R variant (also known as c.2941A>C), located in coding exon 9 of the PALB2 gene, results from an A to C substitution at nucleotide position 2941. The serine at codon 981 is replaced by arginine, an amino acid with dissimilar properties. This amino acid position is conserved. In addition, this alteration is predicted to be tolerated by in silico analysis. Since supporting evidence is limited at this time, the clinical significance of this alteration remains unclear.

NM_024675.4(PALB2):c.2941A>C (p.Ser981Arg)

Gene: PALB2 (partner and localizer of BRCA2; minus strand). Cytogenetic location: 16p12.2.
Variant type: single nucleotide variant.
Coding change: c.2941A>C on transcript NM_024675.4 (MANE Select); coding-DNA position 2941, A replaced by C.
Protein change: p.Ser981Arg; replaces serine 981 with arginine.
Molecular consequence: missense variant.
Genome position (GRCh38, 1-based): chr16:23,623,024, T>G on the plus strand (A>C on the coding strand, the complement: PALB2 is on the minus strand). VCF-style: chr16-23623024-T-G. GRCh37 (hg19) VCF-style: chr16-23634345-T-G.
Other names: short protein forms S981R.
Identifiers: ClinVar variation 935594 (VCV000935594.13), dbSNP rs1460156504, ClinGen allele CA395144110.